The following is an entry in ClinVar:

ClinVar aggregate classification (germline): Pathogenic. Review status: criteria provided, multiple submitters, no conflicts (2 of 4 stars). 3 submissions from 3 submitters: Pathogenic (2). 1 of the submissions does not count toward it. Last evaluated 2025-08-21.

Conditions:
Tatton-Brown-Rahman overgrowth syndrome. Also called: Tatton-Brown-Rahman syndrome; Tall stature-intellectual disability-facial dysmorphism syndrome. Identifiers: Orphanet 404443, MedGen C4014545, MONDO:0014382, OMIM 615879.
Melanoma. Identifiers: MedGen C0025202, MeSH D008545, MONDO:0005105, HP:0002861.

Allele frequency attached by ClinVar (database versions not stated): gnomAD 0.00003.
gnomAD v4.1: 25 of 1,613,818 alleles (0.0015%); highest among the groups gnomAD compares: Non-Finnish European, 0.0018%; no homozygotes.

Submissions (3):

Labcorp Genetics (formerly Invitae), Labcorp
Classification: Pathogenic for Tatton-Brown-Rahman overgrowth syndrome. Last evaluated: 2025-08-21. Review status: criteria provided, single submitter. Criteria: Invitae Variant Classification Sherloc (09022015). Collection method: clinical testing. Allele origin: germline.
Comment: This sequence change replaces arginine, which is basic and polar, with cysteine, which is neutral and slightly polar, at codon 749 of the DNMT3A protein (p.Arg749Cys). The frequency data for this variant in the population databases is considered unreliable, as metrics indicate poor data quality at this position in the gnomAD database. This missense change has been observed in individual(s) with clinical features of Tatton-Brown-Rahman syndrome (PMID: 28475857, 29900417). In at least one individual the variant was observed to be de novo. ClinVar contains an entry for this variant (Variation ID: 2203023). Invitae Evidence Modeling of protein sequence and biophysical properties (such as structural, functional, and spatial information, amino acid conservation, physicochemical variation, residue mobility, and thermodynamic stability) indicates that this missense variant is expected to disrupt DNMT3A protein function with a positive predictive value of 95%. For these reasons, this variant has been classified as Pathogenic.

GeneDx
Classification: Pathogenic. Last evaluated: 2025-04-16. Review status: criteria provided, single submitter. Criteria: GeneDx Variant Classification Process June 2021. Collection method: clinical testing. Allele origin: germline. Affected: yes.
Comment: Published functional studies demonstrate a damaging effect: protein instability and decreased methyltransferase activity (PMID: 34429321); In silico analysis supports that this missense variant has a deleterious effect on protein structure/function; This variant is associated with the following publications: (PMID: 35982159, 28941052, 25964253, 33057194, 22829153, 37160317, 29900417, 24614070, 28475857, 22489043, 30877840, 34429321)

Dave Chen Lab, Washington University School of Medicine
Classification: Pathogenic for Melanoma. Last evaluated: 2023-03-28. Review status: no assertion criteria provided. Collection method: research. Allele origin: somatic. Affected: yes. Not counted in ClinVar's aggregate classification.

Literature cited by the submitters: PubMed 28475857 (cited by Labcorp Genetics (formerly Invitae), Labcorp); PubMed 29900417 (cited by Labcorp Genetics (formerly Invitae), Labcorp); PubMed 24614070 (cited by Dave Chen Lab, Washington University School of Medicine).

NM_022552.5(DNMT3A):c.2245C>T (p.Arg749Cys)

Gene: DNMT3A (DNA methyltransferase 3 alpha; minus strand). Cytogenetic location: 2p23.3.
Variant type: single nucleotide variant.
Coding change: c.2245C>T on transcript NM_022552.5 (MANE Select); coding-DNA position 2245, C replaced by T.
Protein change: p.Arg749Cys; replaces arginine 749 with cysteine.
Molecular consequence: missense variant. On other transcripts: non-coding transcript variant (1).
Genome position (GRCh38, 1-based): chr2:25,240,379, G>A on the plus strand (C>T on the coding strand, the complement: DNMT3A is on the minus strand). VCF-style: chr2-25240379-G-A. GRCh37 (hg19) VCF-style: chr2-25463248-G-A.
Other names: c.1789C>T, p.Arg597Cys (NM_001320893.1); c.1576C>T, p.Arg526Cys (NM_001375819.1); c.1678C>T, p.Arg560Cys (NM_153759.3); c.2245C>T, p.Arg749Cys (NM_175629.2); short protein forms R749C, R597C, R526C, R560C.
Identifiers: ClinVar variation 2203023 (VCV002203023.7), dbSNP rs754613602, ClinGen allele CA1555688.